The following is an entry in ClinVar:

NM_005732.4(RAD50):c.3220G>T (p.Ala1074Ser)

Gene: RAD50 (RAD50 double strand break repair protein; plus strand). Cytogenetic location: 5q31.1.
Variant type: single nucleotide variant.
Coding change: c.3220G>T on transcript NM_005732.4 (MANE Select); coding-DNA position 3220, G replaced by T.
Protein change: p.Ala1074Ser; replaces alanine 1074 with serine.
Molecular consequence: missense variant.
Genome position (GRCh38, 1-based): chr5:132,618,125, G>T. VCF-style: chr5-132618125-G-T. GRCh37 (hg19) VCF-style: chr5-131953817-G-T.
Other names: short protein forms A1074S.
Identifiers: ClinVar variation 2802182 (VCV002802182.3), dbSNP rs2149853839, ClinGen allele CA360964382.

ClinVar aggregate classification (germline): Uncertain significance (1 of 4 stars; one submission).

Conditions:
Hereditary cancer-predisposing syndrome. Also called: Hereditary neoplastic syndrome; Neoplastic Syndromes, Hereditary; Hereditary Cancer Syndrome; Tumor predisposition. Identifiers: Orphanet 140162, MedGen C0027672, MeSH D009386, MONDO:0015356.

Submission:

Labcorp Genetics (formerly Invitae), Labcorp
Classification: Uncertain significance for Hereditary cancer-predisposing syndrome. Last evaluated: 2022-11-15. Review status: criteria provided, single submitter. Criteria: Invitae Variant Classification Sherloc (09022015). Collection method: clinical testing. Allele origin: germline.
Comment: Advanced modeling of protein sequence and biophysical properties (such as structural, functional, and spatial information, amino acid conservation, physicochemical variation, residue mobility, and thermodynamic stability) performed at Invitae indicates that this missense variant is not expected to disrupt RAD50 protein function. In summary, the available evidence is currently insufficient to determine the role of this variant in disease. Therefore, it has been classified as a Variant of Uncertain Significance. This variant has not been reported in the literature in individuals affected with RAD50-related conditions. This sequence change replaces alanine, which is neutral and non-polar, with serine, which is neutral and polar, at codon 1074 of the RAD50 protein (p.Ala1074Ser). This variant is not present in population databases (gnomAD no frequency).